The following is an entry in ClinVar:

NM_012470.4(TNPO3):c.2611T>C (p.Trp871Arg)

Gene: TNPO3 (transportin 3; minus strand). Cytogenetic location: 7q32.1.
Variant type: single nucleotide variant.
Coding change: c.2611T>C on transcript NM_012470.4 (MANE Select); coding-DNA position 2611, T replaced by C.
Protein change: p.Trp871Arg; replaces tryptophan 871 with arginine.
Molecular consequence: missense variant. On other transcripts: non-coding transcript variant (18).
Genome position (GRCh38, 1-based): chr7:128,967,380, A>G on the plus strand (T>C on the coding strand, the complement: TNPO3 is on the minus strand). VCF-style: chr7-128967380-A-G. GRCh37 (hg19) VCF-style: chr7-128607434-A-G.
Other names: c.2419T>C, p.Trp807Arg (NM_001191028.3, NM_001382223.1); c.2713T>C, p.Trp905Arg (NM_001382216.1); c.2692T>C, p.Trp898Arg (NM_001382217.1); c.2611T>C, p.Trp871Arg (NM_001382218.1); c.2503T>C, p.Trp835Arg (NM_001382219.1); c.2470T>C, p.Trp824Arg (NM_001382220.1); c.2467T>C, p.Trp823Arg (NM_001382221.1); c.2464T>C, p.Trp822Arg (NM_001382222.1); and 1 more; short protein forms W871R, W807R, W822R, W823R, W824R, W835R, W898R, W905R.
Identifiers: ClinVar variation 289593 (VCV000289593.9), dbSNP rs886044218, ClinGen allele CA10606492.

ClinVar aggregate classification (germline): Uncertain significance. Review status: criteria provided, multiple submitters, no conflicts (2 of 4 stars). 3 submissions from 3 submitters: Uncertain significance (3). Last evaluated 2025-09-21.

Conditions:
Inborn genetic diseases. Identifiers: MedGen C0950123, MeSH D030342.
Autosomal dominant limb-girdle muscular dystrophy type 1F (LGMDD2). Also called: Limb-girdle muscular dystrophy, type 1F; MUSCULAR DYSTROPHY, LIMB-GIRDLE, AUTOSOMAL DOMINANT 2. Identifiers: Orphanet 55595, MedGen C1842062, MONDO:0012034, OMIM 608423.

Allele frequency attached by ClinVar (database versions not stated): TOPMed below 0.00001; gnomAD 0.00001.
gnomAD v4.1: 1 of 1,612,530 alleles (0.000062%); no homozygotes.

Submissions (3):

Ambry Genetics
Classification: Uncertain significance for Inborn genetic diseases. Last evaluated: 2025-09-21. Review status: criteria provided, single submitter. Criteria: Ambry Variant Classification Scheme 2023. Collection method: clinical testing. Allele origin: germline.

Labcorp Genetics (formerly Invitae), Labcorp
Classification: Uncertain significance for Autosomal dominant limb-girdle muscular dystrophy type 1F. Last evaluated: 2025-02-03. Review status: criteria provided, single submitter. Criteria: Invitae Variant Classification Sherloc (09022015). Collection method: clinical testing. Allele origin: germline.
Comment: This sequence change replaces tryptophan, which is neutral and slightly polar, with arginine, which is basic and polar, at codon 871 of the TNPO3 protein (p.Trp871Arg). This variant is not present in population databases (gnomAD no frequency). This variant has not been reported in the literature in individuals affected with TNPO3-related conditions. ClinVar contains an entry for this variant (Variation ID: 289593). An algorithm developed to predict the effect of missense changes on protein structure and function (PolyPhen-2) suggests that this variant is likely to be tolerated. In summary, the available evidence is currently insufficient to determine the role of this variant in disease. Therefore, it has been classified as a Variant of Uncertain Significance.

Eurofins Ntd Llc (ga)
Classification: Uncertain significance. Last evaluated: 2016-07-29. Review status: criteria provided, single submitter. Criteria: EGL Classification Definitions 2015. Collection method: clinical testing. Allele origin: germline. Observed: 1 variant allele, 1 heterozygote.